The following is an entry in ClinVar:

ClinVar aggregate classification (germline): Likely benign (1 of 4 stars; one submission).

Allele frequency attached by ClinVar (database versions not stated): gnomAD exomes below 0.00001 and 0.00002.

Submission:

GeneDx
Classification: Likely benign. Last evaluated: 2016-01-27. Review status: criteria provided, single submitter. Criteria: GeneDx Variant Classification (06012015). Collection method: clinical testing. Allele origin: germline. Affected: yes.
Comment: This variant is considered likely benign or benign based on one or more of the following criteria: it is a conservative change, it occurs at a poorly conserved position in the protein, it is predicted to be benign by multiple in silico algorithms, and/or has population frequency not consistent with disease.

NM_006267.5(RANBP2):c.7850-7G>C

Gene: RANBP2 (RAN binding protein 2; plus strand). Cytogenetic location: 2q13.
Variant type: single nucleotide variant.
Coding change: c.7850-7G>C on transcript NM_006267.5 (MANE Select); 7 bases into the intron before coding-DNA position 7850, G replaced by C.
Molecular consequence: intron variant.
Genome position (GRCh38, 1-based): chr2:108,771,694, G>C. VCF-style: chr2-108771694-G-C. GRCh37 (hg19) VCF-style: chr2-109388150-G-C.
Identifiers: ClinVar variation 382465 (VCV000382465.1), dbSNP rs1057521363, ClinGen allele CA16603846.